The following is an entry in ClinVar:

NM_014727.3(KMT2B):c.1384C>G (p.Pro462Ala)

Gene: KMT2B (lysine methyltransferase 2B; plus strand). Cytogenetic location: 19q13.12.
Variant type: single nucleotide variant.
Coding change: c.1384C>G on transcript NM_014727.3 (MANE Select); coding-DNA position 1384, C replaced by G.
Protein change: p.Pro462Ala; replaces proline 462 with alanine.
Molecular consequence: missense variant.
Genome position (GRCh38, 1-based): chr19:35,720,731, C>G. VCF-style: chr19-35720731-C-G. GRCh37 (hg19) VCF-style: chr19-36211633-C-G.
Other names: short protein forms P462A.
Identifiers: ClinVar variation 2433175 (VCV002433175.6), dbSNP rs1410514145, ClinGen allele CA405390802.

ClinVar aggregate classification (germline): Uncertain significance. Review status: criteria provided, multiple submitters, no conflicts (2 of 4 stars). 3 submissions from 3 submitters: Uncertain significance (3). Last evaluated 2024-09-09.

Conditions:
Inborn genetic diseases. Identifiers: MedGen C0950123, MeSH D030342.

Allele frequency attached by ClinVar (database versions not stated): TOPMed below 0.00001; gnomAD 0.00001.
gnomAD v4.1: 12 of 1,473,472 alleles (0.00081%); highest among the groups gnomAD compares: East Asian, 0.0074%; 1 homozygote.

Submissions (3):

Ambry Genetics
Classification: Uncertain significance for Inborn genetic diseases. Last evaluated: 2024-09-09. Review status: criteria provided, single submitter. Criteria: Ambry Variant Classification Scheme 2023. Collection method: clinical testing. Allele origin: germline.

Labcorp Genetics (formerly Invitae), Labcorp
Classification: Uncertain significance. Last evaluated: 2024-05-18. Review status: criteria provided, single submitter. Criteria: Invitae Variant Classification Sherloc (09022015). Collection method: clinical testing. Allele origin: germline.
Comment: This sequence change replaces proline, which is neutral and non-polar, with alanine, which is neutral and non-polar, at codon 462 of the KMT2B protein (p.Pro462Ala). This variant is not present in population databases (gnomAD no frequency). This variant has not been reported in the literature in individuals affected with KMT2B-related conditions. ClinVar contains an entry for this variant (Variation ID: 2433175). Advanced modeling of protein sequence and biophysical properties (such as structural, functional, and spatial information, amino acid conservation, physicochemical variation, residue mobility, and thermodynamic stability) performed at Invitae indicates that this missense variant is not expected to disrupt KMT2B protein function with a negative predictive value of 95%. In summary, the available evidence is currently insufficient to determine the role of this variant in disease. Therefore, it has been classified as a Variant of Uncertain Significance.

Revvity Omics, Revvity
Classification: Uncertain significance. Last evaluated: 2019-09-25. Review status: criteria provided, single submitter. Criteria: ACMG Guidelines, 2015. Collection method: clinical testing. Allele origin: germline.